The following is an entry in ClinVar:

NM_004360.5(CDH1):c.1944A>T (p.Glu648Asp)

Gene: CDH1 (cadherin 1; plus strand). Cytogenetic location: 16q22.1.
Variant type: single nucleotide variant.
Coding change: c.1944A>T on transcript NM_004360.5 (MANE Select); coding-DNA position 1944, A replaced by T.
Protein change: p.Glu648Asp; replaces glutamic acid 648 with aspartic acid.
Molecular consequence: missense variant. On other transcripts: 5 prime UTR variant (1).
Genome position (GRCh38, 1-based): chr16:68,823,406, A>T. VCF-style: chr16-68823406-A-T. GRCh37 (hg19) VCF-style: chr16-68857309-A-T.
Other names: c.1944A>T (LRG_301t1); c.1761A>T, p.Glu587Asp (NM_001317184.2); c.396A>T, p.Glu132Asp (NM_001317185.2); c.-22A>T (NM_001317186.2); short protein forms E132D, E587D, E648D.
Identifiers: ClinVar variation 638961 (VCV000638961.10), dbSNP rs1596965497, ClinGen allele CA396467513.

ClinVar aggregate classification (germline): Conflicting classifications of pathogenicity. Review status: criteria provided, conflicting classifications (1 of 4 stars). 2 submissions from 2 submitters: Uncertain significance (1); Likely benign (1). Last evaluated 2025-07-30.

Conditions:
Hereditary cancer-predisposing syndrome. Also called: Hereditary Cancer Syndrome; Neoplastic Syndromes, Hereditary; Tumor predisposition; Hereditary neoplastic syndrome. Identifiers: Orphanet 140162, MedGen C0027672, MeSH D009386, MONDO:0015356.
Hereditary diffuse gastric adenocarcinoma (HDGC). Also called: DIFFUSE GASTRIC AND LOBULAR BREAST CANCER SYNDROME. Identifiers: Orphanet 26106, MedGen C1708349, MONDO:0007648, OMIM 137215.

Submissions (2):

Labcorp Genetics (formerly Invitae), Labcorp
Classification: Uncertain significance for Hereditary diffuse gastric adenocarcinoma. Last evaluated: 2025-07-30. Review status: criteria provided, single submitter. Criteria: Invitae Variant Classification Sherloc (09022015). Collection method: clinical testing. Allele origin: germline.
Comment: This sequence change replaces glutamic acid, which is acidic and polar, with aspartic acid, which is acidic and polar, at codon 648 of the CDH1 protein (p.Glu648Asp). This variant is not present in population databases (gnomAD no frequency). This variant has not been reported in the literature in individuals affected with CDH1-related conditions. ClinVar contains an entry for this variant (Variation ID: 638961). An algorithm developed to predict the effect of missense changes on protein structure and function outputs the following: PolyPhen-2: "Benign". The aspartic acid amino acid residue is found in multiple mammalian species, which suggests that this missense change does not adversely affect protein function. In summary, the available evidence is currently insufficient to determine the role of this variant in disease. Therefore, it has been classified as a Variant of Uncertain Significance.

Ambry Genetics
Classification: Likely benign for Hereditary cancer-predisposing syndrome. Last evaluated: 2024-04-22. Review status: criteria provided, single submitter. Criteria: Ambry Variant Classification Scheme 2023. Collection method: clinical testing. Allele origin: germline.